The following is an entry in ClinVar:

ClinVar aggregate classification (germline): Uncertain significance. Review status: criteria provided, multiple submitters, no conflicts (2 of 4 stars). 3 submissions from 3 submitters: Uncertain significance (3). Last evaluated 2024-11-20.

Conditions:
Inborn genetic diseases. Identifiers: MedGen C0950123, MeSH D030342.
Seckel syndrome 1 (SCKL1). Also called: MICROCEPHALIC PRIMORDIAL DWARFISM I. Identifiers: Orphanet 808, MedGen C4551474, MONDO:0008869, OMIM 210600.
Familial cutaneous telangiectasia and oropharyngeal predisposition cancer syndrome. Identifiers: Orphanet 313846, MedGen C3281203, MONDO:0013806, OMIM 614564.

Allele frequency attached by ClinVar (database versions not stated): gnomAD exomes 0.00001 and 0.00002; TOPMed 0.00001; ExAC 0.00002; ESP Exome Variant Server 0.00008.
gnomAD v4.1: 8 of 1,613,496 alleles (0.0005%); highest among the groups gnomAD compares: Admixed American, 0.005%; no homozygotes.

Submissions (3):

Ambry Genetics
Classification: Uncertain significance for Inborn genetic diseases. Last evaluated: 2024-11-20. Review status: criteria provided, single submitter. Criteria: Ambry Variant Classification Scheme 2023. Collection method: clinical testing. Allele origin: germline.

Labcorp Genetics (formerly Invitae), Labcorp
Classification: Uncertain significance. Last evaluated: 2024-06-21. Review status: criteria provided, single submitter. Criteria: Invitae Variant Classification Sherloc (09022015). Collection method: clinical testing. Allele origin: germline.
Comment: This sequence change replaces valine, which is neutral and non-polar, with methionine, which is neutral and non-polar, at codon 822 of the ATR protein (p.Val822Met). This variant is present in population databases (rs369120067, gnomAD 0.009%). This variant has not been reported in the literature in individuals affected with ATR-related conditions. ClinVar contains an entry for this variant (Variation ID: 934067). Algorithms developed to predict the effect of missense changes on protein structure and function output the following: SIFT: "Not Available"; PolyPhen-2: "Benign"; Align-GVGD: "Not Available". The methionine amino acid residue is found in multiple mammalian species, which suggests that this missense change does not adversely affect protein function. In summary, the available evidence is currently insufficient to determine the role of this variant in disease. Therefore, it has been classified as a Variant of Uncertain Significance.

Fulgent Genetics
Classification: Uncertain significance for Seckel syndrome 1; Familial cutaneous telangiectasia and oropharyngeal predisposition cancer syndrome. Last evaluated: 2024-02-17. Review status: criteria provided, single submitter. Criteria: ACMG Guidelines, 2015. Collection method: clinical testing. Allele origin: germline.

NM_001184.4(ATR):c.2464G>A (p.Val822Met)

Gene: ATR (ATR checkpoint kinase; minus strand). Cytogenetic location: 3q23.
Variant type: single nucleotide variant.
Coding change: c.2464G>A on transcript NM_001184.4 (MANE Select); coding-DNA position 2464, G replaced by A.
Protein change: p.Val822Met; replaces valine 822 with methionine.
Molecular consequence: missense variant.
Genome position (GRCh38, 1-based): chr3:142,553,893, C>T on the plus strand (G>A on the coding strand, the complement: ATR is on the minus strand). VCF-style: chr3-142553893-C-T. GRCh37 (hg19) VCF-style: chr3-142272735-C-T.
Other names: c.2272G>A, p.Val758Met (NM_001354579.2); short protein forms V758M, V822M.
Identifiers: ClinVar variation 934067 (VCV000934067.14), dbSNP rs369120067, ClinGen allele CA2650355.
Genomic context (GRCh38, chr3:142,553,893, plus strand): 5'-TAAATCCATCTTCAGAGTCCAAGGATTCCAATATGTGCTTGATATTTCCACTAAAAGCCA[C>T]TCTAACATCTTTGTCTGGATCTTCCATTAAATTTAATAAAGTTCCAAGAACTGCTTTTAC-3'
Protein context (NP_001175.2, residues 812-832): LMEDPDKDVR[Val822Met]AFSGNIKHIL